The following is an entry in ClinVar:

ClinVar aggregate classification (germline): Uncertain significance. Review status: criteria provided, single submitter (1 of 4 stars). 2 submissions from 2 submitters: Uncertain significance (1). 1 of the submissions does not count toward it. Last evaluated 2023-10-03.

Conditions:
Proteasome-associated autoinflammatory syndrome 4. Identifiers: MedGen C5543053, MONDO:0030931, OMIM 619183.

Allele frequency attached by ClinVar (database versions not stated): TOPMed 0.00001.
gnomAD v4.1: 1 of 1,608,716 alleles (0.000062%); no homozygotes.

Submissions (2):

Labcorp Genetics (formerly Invitae), Labcorp
Classification: Uncertain significance. Last evaluated: 2023-10-03. Review status: criteria provided, single submitter. Criteria: Invitae Variant Classification Sherloc (09022015). Collection method: clinical testing. Allele origin: germline.
Comment: This sequence change replaces asparagine, which is neutral and polar, with lysine, which is basic and polar, at codon 225 of the PSMG2 protein (p.Asn225Lys). This variant is not present in population databases (gnomAD no frequency). This missense change has been observed in individual(s) with CANDLE syndrome (PMID: 30664889). ClinVar contains an entry for this variant (Variation ID: 997019). An algorithm developed to predict the effect of missense changes on protein structure and function (PolyPhen-2) suggests that this variant is likely to be disruptive. In summary, the available evidence is currently insufficient to determine the role of this variant in disease. Therefore, it has been classified as a Variant of Uncertain Significance.

OMIM
Classification: Pathogenic for PROTEASOME-ASSOCIATED AUTOINFLAMMATORY SYNDROME 4 (1 patient). Last evaluated: 2021-02-17. Review status: no assertion criteria provided. Collection method: literature only. Allele origin: germline. Not counted in ClinVar's aggregate classification.

Literature cited by the submitters: PubMed 30664889 (cited by Labcorp Genetics (formerly Invitae), Labcorp and OMIM).

NM_020232.5(PSMG2):c.675T>G (p.Asn225Lys)

Gene: PSMG2 (proteasome assembly chaperone 2; plus strand). Cytogenetic location: 18p11.21.
Variant type: single nucleotide variant.
Coding change: c.675T>G on transcript NM_020232.5 (MANE Select); coding-DNA position 675, T replaced by G.
Protein change: p.Asn225Lys; replaces asparagine 225 with lysine.
Molecular consequence: missense variant.
Genome position (GRCh38, 1-based): chr18:12,724,592, T>G. VCF-style: chr18-12724592-T-G. GRCh37 (hg19) VCF-style: chr18-12724591-T-G.
Other names: c.582T>G, p.Asn194Lys (NM_147163.2); short protein forms N225K, N194K.
Identifiers: ClinVar variation 997019 (VCV000997019.8), dbSNP rs1323730269, ClinGen allele CA401970861.